The following is an entry in ClinVar:

NM_001037333.3(CYFIP2):c.323A>G (p.Tyr108Cys)

Gene: CYFIP2 (cytoplasmic FMR1 interacting protein 2; plus strand). Cytogenetic location: 5q33.3.
Variant type: single nucleotide variant.
Coding change: c.323A>G on transcript NM_001037333.3 (MANE Select); coding-DNA position 323, A replaced by G.
Protein change: p.Tyr108Cys; replaces tyrosine 108 with cysteine.
Molecular consequence: missense variant.
Genome position (GRCh38, 1-based): chr5:157,296,710, A>G. VCF-style: chr5-157296710-A-G. GRCh37 (hg19) VCF-style: chr5-156723718-A-G.
Other names: c.245A>G, p.Tyr82Cys (NM_001291721.2); c.323A>G, p.Tyr108Cys (NM_001291722.2, NM_014376.4); short protein forms Y108C, Y82C.
Identifiers: ClinVar variation 3390446 (VCV003390446.1).

ClinVar aggregate classification (germline): Uncertain significance (1 of 4 stars; one submission).

gnomAD v4.1: 1 of 1,613,882 alleles (0.000062%); highest among the groups gnomAD compares: Non-Finnish European, 0.000085%; no homozygotes.

Submission:

GeneDx
Classification: Uncertain significance. Last evaluated: 2024-06-12. Review status: criteria provided, single submitter. Criteria: GeneDx Variant Classification Process June 2021. Collection method: clinical testing. Allele origin: germline. Affected: yes.
Comment: Published functional studies suggest a damaging effect on protein function (PMID: [preprint] Panthi S et al. Expression of mRNA encoding two gain-of-function cyfip2 variants associated with DEE65 results in spontaneous seizures in Xenopus laevis tadpoles); In silico analysis supports that this missense variant has a deleterious effect on protein structure/function; Not observed at significant frequency in large population cohorts (gnomAD); This variant is associated with the following publications: (PMID: Panthi2022[preprint])